The following is an entry in ClinVar:

ClinVar aggregate classification (germline): Uncertain significance (1 of 4 stars; one submission).

Submission:

Labcorp Genetics (formerly Invitae), Labcorp
Classification: Uncertain significance. Last evaluated: 2024-02-14. Review status: criteria provided, single submitter. Criteria: Invitae Variant Classification Sherloc (09022015). Collection method: clinical testing. Allele origin: germline.
Comment: This sequence change replaces asparagine, which is neutral and polar, with serine, which is neutral and polar, at codon 151 of the SOX18 protein (p.Asn151Ser). This variant is present in population databases (no rsID available, gnomAD 0.06%). This variant has not been reported in the literature in individuals affected with SOX18-related conditions. Advanced modeling of protein sequence and biophysical properties (such as structural, functional, and spatial information, amino acid conservation, physicochemical variation, residue mobility, and thermodynamic stability) performed at Invitae indicates that this missense variant is expected to disrupt SOX18 protein function with a positive predictive value of 80%. In summary, the available evidence is currently insufficient to determine the role of this variant in disease. Therefore, it has been classified as a Variant of Uncertain Significance.

NM_018419.3(SOX18):c.452A>G (p.Asn151Ser)

Gene: SOX18 (SRY-box transcription factor 18; minus strand). Cytogenetic location: 20q13.33.
Variant type: single nucleotide variant.
Coding change: c.452A>G on transcript NM_018419.3 (MANE Select); coding-DNA position 452, A replaced by G.
Protein change: p.Asn151Ser; replaces asparagine 151 with serine.
Molecular consequence: missense variant.
Genome position (GRCh38, 1-based): chr20:64,048,869, T>C on the plus strand (A>G on the coding strand, the complement: SOX18 is on the minus strand). VCF-style: chr20-64048869-T-C. GRCh37 (hg19) VCF-style: chr20-62680222-T-C.
Other names: short protein forms N151S.
Identifiers: ClinVar variation 3621862 (VCV003621862.2).
Genomic context (GRCh38, chr20:64,048,869, plus strand): 5'-CCGGGCTCCAGCCGCCGGGCCTTGCGCGCCTGCTTCTTGCGGCGCGGCCGGTACTTGTAG[T>C]TGGGGTGGTCGCGCAAGTGCTGCACGCGCAGCCGTTCGGCTTCCTCCACGAAGGGCCGCT-3'
Protein context (NP_060889.1, residues 141-161): LRVQHLRDHP[Asn151Ser]YKYRPRRKKQ